The following is an entry in ClinVar:

ClinVar aggregate classification (germline): Uncertain significance (1 of 4 stars; one submission).

Conditions:
Holoprosencephaly 5 (HPE5). Identifiers: Orphanet 2162, MedGen C1864827, MONDO:0012322, OMIM 609637.

Submission:

Labcorp Genetics (formerly Invitae), Labcorp
Classification: Uncertain significance for Holoprosencephaly 5. Last evaluated: 2023-06-05. Review status: criteria provided, single submitter. Criteria: Invitae Variant Classification Sherloc (09022015). Collection method: clinical testing. Allele origin: germline.
Comment: This variant occurs in a non-coding region of the ZIC2 gene. It does not change the encoded amino acid sequence of the ZIC2 protein. In summary, the available evidence is currently insufficient to determine the role of this variant in disease. Therefore, it has been classified as a Variant of Uncertain Significance. Experimental studies and prediction algorithms are not available or were not evaluated, and the functional significance of this variant is currently unknown. This variant has not been reported in the literature in individuals affected with ZIC2-related conditions. This variant is not present in population databases (gnomAD no frequency).

NM_007129.5(ZIC2):c.1599_*4dup (p.Ter533=)

Gene: ZIC2 (Zic family zinc finger 2; plus strand). Cytogenetic location: 13q32.3.
Variant type: Duplication.
Coding change: c.1599_*4dup on transcript NM_007129.5 (MANE Select); coding-DNA position 1599 through 4 bases downstream of the stop codon, 5 bases duplicated (ACGGG; older notation c.1599_*4dupACGGG).
Protein change: p.Ter533=.
Molecular consequence: no sequence alteration.
Genome position (GRCh38, 1-based): chr13:99,985,682-99,985,686, ACGGG duplicated; duplicating any 5 consecutive bases within chr13:99,985,681-99,985,686 gives the same sequence; the c. name uses the placement nearest the transcript's 3' end. VCF-style (leftmost placement, unchanged base first): chr13-99985680-T-TGACGG. GRCh37 (hg19) VCF-style: chr13-100637934-T-TGACGG.
Identifiers: ClinVar variation 2990499 (VCV002990499.3), dbSNP rs2501552572, ClinGen allele CA2740097681.